The following is an entry in ClinVar:

NM_198129.4(LAMA3):c.7100del (p.Ser2367fs)

Gene: LAMA3 (laminin subunit alpha 3; plus strand). Cytogenetic location: 18q11.2.
Variant type: Deletion.
Coding change: c.7100del on transcript NM_198129.4 (MANE Select); coding-DNA position 7100, one base deleted (C; older notation c.7100delC).
Protein change: p.Ser2367fs; shifts the reading frame from serine 2367.
Molecular consequence: frameshift variant.
Genome position (GRCh38, 1-based): chr18:23,909,237, C deleted. VCF-style (leftmost placement, unchanged base first): chr18-23909236-TC-T. GRCh37 (hg19) VCF-style: chr18-21489200-TC-T.
Other names: c.2273del, p.Ser758fs (NM_000227.6); c.6932del, p.Ser2311fs (NM_001127717.4); c.2105del, p.Ser702fs (NM_001127718.4); short protein forms S2311fs, S758fs, S2367fs, S702fs.
Identifiers: ClinVar variation 2039093 (VCV002039093.4), dbSNP rs2511441543, ClinGen allele CA2580095517.
Genomic context (GRCh38, chr18:23,909,236, plus strand): 5'-CCTGATCTTTGGCGCAAGATTGAAAGTATCAACCAACAGCTGTTGCCCTTGGGAAACATC[TC>T]TGACAACATGGACAGAATACGAGAACTAATTCAGCAGGCCAGAGATGCTGCCAGTAAGGT-3'

ClinVar aggregate classification (germline): Pathogenic (1 of 4 stars; one submission).

Submission:

Labcorp Genetics (formerly Invitae), Labcorp
Classification: Pathogenic. Last evaluated: 2021-12-09. Review status: criteria provided, single submitter. Criteria: Invitae Variant Classification Sherloc (09022015). Collection method: clinical testing. Allele origin: germline.
Comment: This sequence change creates a premature translational stop signal (p.Ser758Leufs*10) in the LAMA3 gene. It is expected to result in an absent or disrupted protein product. Loss-of-function variants in LAMA3 are known to be pathogenic (PMID: 10366601, 11810295, 12915477, 16473856, 17362460, 22434185, 23869449, 27827380, 28087116). This variant is not present in population databases (gnomAD no frequency). This variant has not been reported in the literature in individuals affected with LAMA3-related conditions. For these reasons, this variant has been classified as Pathogenic.

Literature cited by the submitters: PubMed 10366601; PubMed 11810295; PubMed 12915477; PubMed 16473856; PubMed 17362460; PubMed 22434185; PubMed 23869449; PubMed 27827380; PubMed 28087116.